The following is an entry in ClinVar:

ClinVar aggregate classification (germline): Pathogenic (1 of 4 stars; one submission).

Conditions:
Polycystic kidney disease 4 (PKD4). Also called: POLYCYSTIC KIDNEY DISEASE 4 WITH OR WITHOUT POLYCYSTIC LIVER DISEASE; POLYCYSTIC KIDNEY AND HEPATIC DISEASE 1; POLYCYSTIC KIDNEY DISEASE, INFANTILE, TYPE I; PKD3; Autosomal Recessive Polycystic Kidney Disease – PKHD1. Identifiers: MedGen C4540575, MONDO:0033004, OMIM 263200.

Submission:

Juno Genomics, Hangzhou Juno Genomics, Inc
Classification: Pathogenic for Polycystic kidney disease 4. Review status: criteria provided, single submitter. Criteria: ACMG Guidelines, 2015. Collection method: clinical testing. Allele origin: germline.
Comment: Absent from controls (or at extremely low frequency if recessive) in Genome Aggregation Database.;Null variant in a gene where loss of function (LOF) is a known mechanism of disease.;For recessive disorders, detected in trans with a pathogenic variant.

NM_138694.4(PKHD1):c.9861C>A (p.Cys3287Ter)

Gene: PKHD1 (PKHD1 ciliary IPT domain containing fibrocystin/polyductin; minus strand). Cytogenetic location: 6p12.3.
Variant type: single nucleotide variant.
Coding change: c.9861C>A on transcript NM_138694.4 (MANE Select); coding-DNA position 9861, C replaced by A.
Protein change: p.Cys3287Ter; replaces cysteine 3287 with a stop codon.
Molecular consequence: nonsense.
Genome position (GRCh38, 1-based): chr6:51,746,858, G>T on the plus strand (C>A on the coding strand, the complement: PKHD1 is on the minus strand). VCF-style: chr6-51746858-G-T. GRCh37 (hg19) VCF-style: chr6-51611656-G-T.
Other names: c.9861C>A, p.Cys3287Ter (NM_170724.3); short protein forms C3287*.
Identifiers: ClinVar variation 5007075 (VCV005007075.2).